The following is an entry in ClinVar:

ClinVar aggregate classification (germline): Conflicting classifications of pathogenicity. Review status: criteria provided, conflicting classifications (1 of 4 stars). 7 submissions from 7 submitters: Pathogenic (1); Uncertain significance (4). 2 of the submissions do not count toward it. Last evaluated 2025-10-21.

Conditions:
Galactosylceramide beta-galactosidase deficiency. Also called: Leukodystrophy, Globoid Cell; GALACTOCEREBROSIDASE DEFICIENCY; GALC DEFICIENCY; GLOBOID CELL LEUKOENCEPHALOPATHY; Krabbe Disease. Identifiers: Orphanet 487, MedGen C0023521, MONDO:0009499, OMIM 245200.

Allele frequency attached by ClinVar (database versions not stated): gnomAD exomes below 0.00001.
gnomAD v4.1: 1 of 1,544,928 alleles (0.000065%); no homozygotes.

Submissions (7):

Women's Health and Genetics/Laboratory Corporation of America, LabCorp
Classification: Uncertain significance. Last evaluated: 2025-10-21. Review status: criteria provided, single submitter. Criteria: LabCorp Variant Classification Summary - May 2015. Collection method: clinical testing. Allele origin: germline.
Comment: Variant summary: GALC c.621G>A (p.Lys207Lys) alters a conserved nucleotide located close to a canonical splice site and therefore could affect mRNA splicing, leading to a significantly altered protein sequence. Several computational tools predict a significant impact on normal splicing: Three predict the variant weakens the canonical 5' donor site. However, these predictions have yet to be confirmed by functional studies. The variant allele was found at a frequency of 4.1e-06 in 246890 control chromosomes. c.621G>A has been reported in the literature in a homozygous individual affected with Krabbe Disease (Wenger_2000), and in a newborn screening sample indicative of low GALC enzyme activity, where the a second mutation was not provided (Orsini_2016). To our knowledge, no experimental evidence demonstrating an impact on protein function has been reported. The following publications have been ascertained in the context of this evaluation (PMID: 26795590, 10833326). ClinVar contains an entry for this variant (Variation ID: 550179). Based on the evidence outlined above, the variant was classified as VUS-possibly pathogenic.

Genomic Medicine Center of Excellence, King Faisal Specialist Hospital and Research Centre
Classification: Uncertain significance for Galactosylceramide beta-galactosidase deficiency. Last evaluated: 2024-04-04. Review status: criteria provided, single submitter. Criteria: ACMG Guidelines, 2015. Collection method: clinical testing. Allele origin: germline.

CeGaT Center for Human Genetics Tuebingen
Classification: Uncertain significance. Last evaluated: 2024-02-01. Review status: criteria provided, single submitter. Criteria: CeGaT Center For Human Genetics Tuebingen Variant Classification Criteria Version 2. Collection method: clinical testing. Allele origin: germline. Affected: yes. Observed: 1 variant allele.
Comment: GALC: PM2, PP3, PP4

Labcorp Genetics (formerly Invitae), Labcorp
Classification: Uncertain significance for Galactosylceramide beta-galactosidase deficiency. Last evaluated: 2023-06-29. Review status: criteria provided, single submitter. Criteria: Invitae Variant Classification Sherloc (09022015). Collection method: clinical testing. Allele origin: germline.
Comment: In summary, the available evidence is currently insufficient to determine the role of this variant in disease. Therefore, it has been classified as a Variant of Uncertain Significance. Variants that disrupt the consensus splice site are a relatively common cause of aberrant splicing (PMID: 17576681, 9536098). Algorithms developed to predict the effect of sequence changes on RNA splicing suggest that this variant may disrupt the consensus splice site. ClinVar contains an entry for this variant (Variation ID: 550179). This variant has been observed in individual(s) with clinical features of Krabbe disease (PMID: 10833326, 26795590). The frequency data for this variant in the population databases is considered unreliable, as metrics indicate poor data quality at this position in the gnomAD database. This sequence change affects codon 207 of the GALC mRNA. It is a 'silent' change, meaning that it does not change the encoded amino acid sequence of the GALC protein. This variant also falls at the last nucleotide of exon 6, which is part of the consensus splice site for this exon.

Pathology and Clinical Laboratory Medicine, King Fahad Medical City
Classification: Pathogenic for Galactosylceramide beta-galactosidase deficiency. Review status: criteria provided, single submitter. Criteria: ACMG Guidelines, 2015. Collection method: clinical testing. Allele origin: germline. Affected: yes. Observed: 1 variant allele.
Comment: Enzyme deficiency

Natera, Inc.
Classification: Uncertain significance for Galactosylceramide beta-galactosidase deficiency. Last evaluated: 2021-08-26. Review status: no assertion criteria provided. Collection method: clinical testing. Allele origin: germline. Not counted in ClinVar's aggregate classification.

Counsyl
Classification: Uncertain significance for Galactosylceramide beta-galactosidase deficiency. Last evaluated: 2016-12-23. Review status: no assertion criteria provided. Collection method: clinical testing. Allele origin: unknown. Not counted in ClinVar's aggregate classification.

Literature cited by the submitters: PubMed 26795590 (cited by 3 submitters); PubMed 10833326 (cited by Women's Health and Genetics/Laboratory Corporation of America, LabCorp and Labcorp Genetics (formerly Invitae), Labcorp); PubMed 17576681 (cited by Labcorp Genetics (formerly Invitae), Labcorp); PubMed 9536098 (cited by Labcorp Genetics (formerly Invitae), Labcorp).

NM_000153.4(GALC):c.621G>A (p.Lys207=)

Gene: GALC (galactosylceramidase; minus strand). Cytogenetic location: 14q31.3.
Variant type: single nucleotide variant.
Coding change: c.621G>A on transcript NM_000153.4 (MANE Select); coding-DNA position 621, G replaced by A.
Protein change: p.Lys207=; no amino-acid change (lysine 207 retained).
Molecular consequence: synonymous variant.
Genome position (GRCh38, 1-based): chr14:87,982,205, C>T on the plus strand (G>A on the coding strand, the complement: GALC is on the minus strand). VCF-style: chr14-87982205-C-T. GRCh37 (hg19) VCF-style: chr14-88448549-C-T.
Other names: c.552G>A, p.Lys184= (NM_001201401.2); c.543G>A, p.Lys181= (NM_001201402.2).
Identifiers: ClinVar variation 550179 (VCV000550179.37), dbSNP rs1428763453, ClinGen allele CA487366335.